The following is an entry in ClinVar:

NM_001372.4(DNAH9):c.221T>G (p.Val74Gly)

Gene: DNAH9 (dynein axonemal heavy chain 9; plus strand). Cytogenetic location: 17p12.
Variant type: single nucleotide variant.
Coding change: c.221T>G on transcript NM_001372.4 (MANE Select); coding-DNA position 221, T replaced by G.
Protein change: p.Val74Gly; replaces valine 74 with glycine.
Molecular consequence: missense variant.
Genome position (GRCh38, 1-based): chr17:11,598,719, T>G. VCF-style: chr17-11598719-T-G. GRCh37 (hg19) VCF-style: chr17-11502036-T-G.
Other names: short protein forms V74G.
Identifiers: ClinVar variation 2430875 (VCV002430875.1), dbSNP rs977175223, ClinGen allele CA287796716.

ClinVar aggregate classification (germline): Uncertain significance (1 of 4 stars; one submission).

Allele frequency attached by ClinVar (database versions not stated): gnomAD 0.00003; TOPMed 0.00003; gnomAD exomes 0.00005.
gnomAD v4.1: 68 of 1,379,702 alleles (0.0049%); highest among the groups gnomAD compares: Non-Finnish European, 0.0058%; no homozygotes.

Submission:

GeneDx
Classification: Uncertain significance. Last evaluated: 2022-08-25. Review status: criteria provided, single submitter. Criteria: GeneDx Variant Classification Process June 2021. Collection method: clinical testing. Allele origin: germline. Affected: yes.
Comment: Not observed at significant frequency in large population cohorts (gnomAD); In silico analysis supports that this missense variant has a deleterious effect on protein structure/function; Has not been previously published as pathogenic or benign to our knowledge